The following is an entry in ClinVar:

ClinVar aggregate classification (germline): Conflicting classifications of pathogenicity. Review status: criteria provided, conflicting classifications (1 of 4 stars). 4 submissions from 4 submitters: Uncertain significance (2); Likely benign (2). Last evaluated 2025-12-28.

Conditions:
CSF1R-related disorder. Also called: CSF1R-related condition. Identifiers: MedGen CN379780, MONDO:0100632.
Brain abnormalities, neurodegeneration, and dysosteosclerosis. Identifiers: MedGen C5193117, MONDO:0032772, OMIM 618476.
Leukoencephalopathy, diffuse hereditary, with spheroids 1 (HDLS1). Also called: DEMENTIA, FAMILIAL, NEUMANN TYPE; SUBCORTICAL GLIOSIS OF NEUMANN; CSF1R-related adult-onset leukoencephalopathy with axonal spheroids and pigmented glia. Identifiers: Orphanet 313808, MedGen C5561929, MONDO:0800027, OMIM 221820.

Allele frequency attached by ClinVar (database versions not stated): gnomAD 0.00001; gnomAD exomes 0.00002; TOPMed 0.00003; ExAC 0.00004.
gnomAD v4.1: 29 of 1,611,622 alleles (0.0018%); highest among the groups gnomAD compares: East Asian, 0.047%; no homozygotes.

Submissions (4):

Labcorp Genetics (formerly Invitae), Labcorp
Classification: Likely benign. Last evaluated: 2025-12-28. Review status: criteria provided, single submitter. Criteria: Invitae Variant Classification Sherloc (09022015). Collection method: clinical testing. Allele origin: germline.

PreventionGenetics, part of Exact Sciences
Classification: Uncertain significance for CSF1R-related condition. Last evaluated: 2025-06-30. Review status: criteria provided, single submitter. Criteria: ACMG Guidelines, 2015. Collection method: clinical testing. Allele origin: germline.
Comment: The CSF1R c.2797G>A variant is predicted to result in the amino acid substitution p.Gly933Ser. To our knowledge, this variant has not been reported in the literature. This variant is reported in 0.056% of alleles in individuals of East Asian descent in gnomAD. At this time, the clinical significance of this variant is uncertain due to the absence of conclusive functional and genetic evidence.

Fulgent Genetics
Classification: Uncertain significance for Leukoencephalopathy, diffuse hereditary, with spheroids 1; Brain abnormalities, neurodegeneration, and dysosteosclerosis. Last evaluated: 2024-04-29. Review status: criteria provided, single submitter. Criteria: ACMG Guidelines, 2015. Collection method: clinical testing. Allele origin: germline.

Blueprint Genetics
Classification: Likely benign. Last evaluated: 2023-12-14. Review status: criteria provided, single submitter. Criteria: ACMG Guidelines, 2015. Collection method: clinical testing. Allele origin: germline.

NM_001288705.3(CSF1R):c.2797G>A (p.Gly933Ser)

Gene: CSF1R (colony stimulating factor 1 receptor; minus strand). Cytogenetic location: 5q32.
Variant type: single nucleotide variant.
Coding change: c.2797G>A on transcript NM_001288705.3 (MANE Select); coding-DNA position 2797, G replaced by A.
Protein change: p.Gly933Ser; replaces glycine 933 with serine.
Molecular consequence: missense variant. On other transcripts: non-coding transcript variant (2).
Genome position (GRCh38, 1-based): chr5:150,054,191, C>T on the plus strand (G>A on the coding strand, the complement: CSF1R is on the minus strand). VCF-style: chr5-150054191-C-T. GRCh37 (hg19) VCF-style: chr5-149433754-C-T.
Other names: c.2797G>A (NM_005211.3); c.2797G>A, p.Gly933Ser (NM_001349736.2, NM_001375320.1, NM_005211.4); c.2353G>A, p.Gly785Ser (NM_001375321.1); short protein forms G785S, G933S.
Identifiers: ClinVar variation 2415792 (VCV002415792.9), dbSNP rs756684628, ClinGen allele CA3506332.
Genomic context (GRCh38, chr5:150,054,191, plus strand): 5'-AGGTCAGGTGCTCACTAGAGCTCTCCTCCTCCAGCTCACTGCTGCTGCTGCCGCTGCCAC[C>T]GCTTCTGCTGCTGCTCGGCAGATTGGTATAGTCCTGAGGGTGGGAGGGACCAGAAACTGT-3'
Protein context (NP_001275634.1, residues 923-943): YTNLPSSSRS[Gly933Ser]GSGSSSSELE